The following is an entry in ClinVar:

ClinVar aggregate classification (germline): Uncertain significance (1 of 4 stars; one submission).

Conditions:
Cowden syndrome 6 (CWS6). Identifiers: Orphanet 201, MedGen C3554519, MONDO:0014048, OMIM 615109.

Submission:

Labcorp Genetics (formerly Invitae), Labcorp
Classification: Uncertain significance for Cowden syndrome 6. Last evaluated: 2025-05-27. Review status: criteria provided, single submitter. Criteria: Invitae Variant Classification Sherloc (09022015). Collection method: clinical testing. Allele origin: germline.
Comment: This sequence change replaces asparagine, which is neutral and polar, with isoleucine, which is neutral and non-polar, at codon 54 of the AKT1 protein (p.Asn54Ile). This variant is not present in population databases (gnomAD no frequency). This variant has not been reported in the literature in individuals affected with AKT1-related conditions. ClinVar contains an entry for this variant (Variation ID: 2837940). An algorithm developed to predict the effect of missense changes on protein structure and function (PolyPhen-2) suggests that this variant is likely to be disruptive. In summary, the available evidence is currently insufficient to determine the role of this variant in disease. Therefore, it has been classified as a Variant of Uncertain Significance.

NM_001382430.1(AKT1):c.161A>T (p.Asn54Ile)

Gene: AKT1 (AKT serine/threonine kinase 1; minus strand). Cytogenetic location: 14q32.33.
Variant type: single nucleotide variant.
Coding change: c.161A>T on transcript NM_001382430.1 (MANE Select); coding-DNA position 161, A replaced by T.
Protein change: p.Asn54Ile; replaces asparagine 54 with isoleucine.
Molecular consequence: missense variant.
Genome position (GRCh38, 1-based): chr14:104,780,102, T>A on the plus strand (A>T on the coding strand, the complement: AKT1 is on the minus strand). VCF-style: chr14-104780102-T-A. GRCh37 (hg19) VCF-style: chr14-105246439-T-A.
Other names: c.161A>T, p.Asn54Ile (NM_001014431.2, NM_001014432.2, NM_001382431.1 and 3 more transcripts); short protein forms N54I.
Identifiers: ClinVar variation 2837940 (VCV002837940.3), dbSNP rs2140948644, ClinGen allele CA391221427.